The following is an entry in ClinVar:

NM_001429.4(EP300):c.7213A>G (p.Asn2405Asp)

Gene: EP300 (EP300 lysine acetyltransferase; plus strand). Cytogenetic location: 22q13.2.
Variant type: single nucleotide variant.
Coding change: c.7213A>G on transcript NM_001429.4 (MANE Select); coding-DNA position 7213, A replaced by G.
Protein change: p.Asn2405Asp; replaces asparagine 2405 with aspartic acid.
Molecular consequence: missense variant.
Genome position (GRCh38, 1-based): chr22:41,178,924, A>G. VCF-style: chr22-41178924-A-G. GRCh37 (hg19) VCF-style: chr22-41574928-A-G.
Other names: c.7135A>G, p.Asn2379Asp (NM_001362843.2); c.7213A>G (NM_001429.3); short protein forms N2379D, N2405D.
Identifiers: ClinVar variation 2731452 (VCV002731452.5), dbSNP rs796194082, ClinGen allele CA324520501.
Genomic context (GRCh38, chr22:41,178,924, plus strand): 5'-CTCCATGGTGCAAGCGCCACGGACCTGGGACTCAGCACCGATAACTCAGACTTGAATTCA[A>G]ACCTCTCACAGAGTACACTAGACATACACTAGAGACACCTTGTAGTATTTTGGGAGCAAA-3'
Protein context (NP_001420.2, residues 2395-2414): LSTDNSDLNS[Asn2405Asp]LSQSTLDIH

ClinVar aggregate classification (germline): Conflicting classifications of pathogenicity. Review status: criteria provided, conflicting classifications (1 of 4 stars). 3 submissions from 3 submitters: Uncertain significance (1); Benign (1); Likely benign (1). Last evaluated 2026-09-22.

Conditions:
EP300-related disorder. Also called: EP300-related condition; EP300-related disorders.
Rubinstein-Taybi syndrome due to EP300 haploinsufficiency. Also called: EP300-Related Rubinstein-Taybi Syndrome; RUBINSTEIN-TAYBI SYNDROME 2. Identifiers: Orphanet 353284, Orphanet 783, MedGen C3150941, MONDO:0013364, OMIM 613684.

Allele frequency attached by ClinVar (database versions not stated): gnomAD exomes 0.00001; gnomAD 0.00002; TOPMed 0.00003; 1000 Genomes Project 30x 0.00016.
gnomAD v4.1: 16 of 1,614,222 alleles (0.00099%); highest among the groups gnomAD compares: East Asian, 0.0067%; no homozygotes.

Submissions (3):

PreventionGenetics, part of Exact Sciences
Classification: Uncertain significance for EP300-related condition. Last evaluated: 2026-09-22. Review status: criteria provided, single submitter. Criteria: ACMG Guidelines, 2015. Collection method: clinical testing. Allele origin: germline.
Comment: The EP300 c.7213A>G variant is predicted to result in the amino acid substitution p.Asn2405Asp. To our knowledge, this variant has not been reported in the literature. This variant is reported in 0.0054% of alleles in individuals of East Asian descent in gnomAD. At this time, the clinical significance of this variant is uncertain due to the absence of conclusive functional and genetic evidence.

Laboratory of Genetics, Children's Clinical University Hospital Latvia
Classification: Likely benign. Last evaluated: 2025-02-16. Review status: criteria provided, single submitter. Criteria: ACMG Guidelines, 2015. Collection method: clinical testing. Allele origin: germline. Affected: yes.

Labcorp Genetics (formerly Invitae), Labcorp
Classification: Benign for Rubinstein-Taybi syndrome due to EP300 haploinsufficiency. Last evaluated: 2023-11-24. Review status: criteria provided, single submitter. Criteria: Invitae Variant Classification Sherloc (09022015). Collection method: clinical testing. Allele origin: germline.